The following is an entry in ClinVar:

NM_020461.4(TUBGCP6):c.3687A>G (p.Val1229=)

Gene: TUBGCP6 (tubulin gamma complex component 6; minus strand). Cytogenetic location: 22q13.33.
Variant type: single nucleotide variant.
Coding change: c.3687A>G on transcript NM_020461.4 (MANE Select); coding-DNA position 3687, A replaced by G.
Protein change: p.Val1229=; no amino-acid change (valine 1229 retained).
Molecular consequence: synonymous variant.
Genome position (GRCh38, 1-based): chr22:50,220,672, T>C on the plus strand (A>G on the coding strand, the complement: TUBGCP6 is on the minus strand). VCF-style: chr22-50220672-T-C. GRCh37 (hg19) VCF-style: chr22-50659101-T-C.
Identifiers: ClinVar variation 2653371 (VCV002653371.27), dbSNP rs1314975767, ClinGen allele CA515375954.

ClinVar aggregate classification (germline): Likely benign. Review status: criteria provided, multiple submitters, no conflicts (2 of 4 stars). 2 submissions from 2 submitters: Likely benign (2). Last evaluated 2024-12-01.

Submissions (2):

CeGaT Center for Human Genetics Tuebingen
Classification: Likely benign. Last evaluated: 2024-12-01. Review status: criteria provided, single submitter. Criteria: CeGaT Center For Human Genetics Tuebingen Variant Classification Criteria Version 2. Collection method: clinical testing. Allele origin: germline. Affected: yes. Observed: 2 variant alleles.
Comment: TUBGCP6: BP4, BP7

Labcorp Genetics (formerly Invitae), Labcorp
Classification: Likely benign. Last evaluated: 2023-10-09. Review status: criteria provided, single submitter. Criteria: Invitae Variant Classification Sherloc (09022015). Collection method: clinical testing. Allele origin: germline.